The following is an entry in ClinVar:

NM_004415.4(DSP):c.7204A>G (p.Ser2402Gly)

Gene: DSP (desmoplakin; plus strand). Cytogenetic location: 6p24.3.
Variant type: single nucleotide variant.
Coding change: c.7204A>G on transcript NM_004415.4 (MANE Select); coding-DNA position 7204, A replaced by G.
Protein change: p.Ser2402Gly; replaces serine 2402 with glycine.
Molecular consequence: missense variant.
Genome position (GRCh38, 1-based): chr6:7,584,466, A>G. VCF-style: chr6-7584466-A-G. GRCh37 (hg19) VCF-style: chr6-7584699-A-G.
Other names: c.5407A>G, p.Ser1803Gly (NM_001008844.3); c.5875A>G, p.Ser1959Gly (NM_001319034.2); short protein forms S1803G, S1959G, S2402G.
Identifiers: ClinVar variation 2946489 (VCV002946489.5), dbSNP rs2533944515, ClinGen allele CA362692469.
Genomic context (GRCh38, chr6:7,584,466, plus strand): 5'-GAGAGCCATCGTTTACCAGTTGACATAGCATATAAGAGGGGCTATTTCAATGAGGAACTC[A>G]GTGAGATTCTCTCAGATCCAAGTGATGATACCAAAGGATTTTTTGACCCCAACACTGAAG-3'
Protein context (NP_004406.2, residues 2392-2412): YKRGYFNEEL[Ser2402Gly]EILSDPSDDT

ClinVar aggregate classification (germline): Uncertain significance. Review status: criteria provided, multiple submitters, no conflicts (2 of 4 stars). 3 submissions from 3 submitters: Uncertain significance (3). Last evaluated 2026-09-10.

Conditions:
Cardiomyopathy (CMYO). Also called: Cardiomyopathies. Identifiers: Orphanet 167848, MedGen C0878544, MONDO:0004994, HP:0001638. Inheritance: Various modes of inheritance.
Arrhythmogenic cardiomyopathy with wooly hair and keratoderma. Also called: Dilated cardiomyopathy with woolly hair and keratoderma; Arrhythmogenic cardiomyopathy with woolly hair and keratoderma; PALMOPLANTAR KERATODERMA WITH LEFT VENTRICULAR CARDIOMYOPATHY AND WOOLLY HAIR; Carvajal syndrome. Identifiers: Orphanet 65282, MedGen C1854063, MONDO:0011581, OMIM 605676.
Arrhythmogenic right ventricular dysplasia 8 (ARVD8). Also called: Arrhythmogenic Right Ventricular Dysplasia/Cardiomyopathy 8; ARRHYTHMOGENIC RIGHT VENTRICULAR DYSPLASIA, FAMILIAL, 8; ARRHYTHMOGENIC RIGHT VENTRICULAR CARDIOMYOPATHY 8. Identifiers: MedGen C1843896, MONDO:0011831, OMIM 607450.
Cardiovascular phenotype. Identifiers: MedGen CN230736.

Allele frequency attached by ClinVar (database versions not stated): gnomAD exomes below 0.00001.
gnomAD v4.1: 1 of 1,614,232 alleles (0.000062%); highest among the groups gnomAD compares: Non-Finnish European, 0.000085%; no homozygotes.

Submissions (3):

Ambry Genetics
Classification: Uncertain significance for Cardiovascular phenotype. Last evaluated: 2026-09-10. Review status: criteria provided, single submitter. Criteria: Ambry Variant Classification Scheme 2023. Collection method: clinical testing. Allele origin: germline.

Color Diagnostics, LLC DBA Color Health
Classification: Uncertain significance for Cardiomyopathy. Last evaluated: 2025-09-05. Review status: criteria provided, single submitter. Criteria: ACMG Guidelines, 2015. Collection method: clinical testing. Allele origin: germline.
Comment: This missense variant replaces serine with glycine at codon 2402 of the DSP protein. Computational prediction suggests that this variant may not impact protein structure and function. To our knowledge, functional studies have not been reported for this variant. This variant has not been reported in individuals affected with DSP-related disorders in the literature. This variant has not been identified in the general population by the Genome Aggregation Database (gnomAD). The available evidence is insufficient to determine the role of this variant in disease conclusively. Therefore, this variant is classified as a Variant of Uncertain Significance.

Labcorp Genetics (formerly Invitae), Labcorp
Classification: Uncertain significance for Arrhythmogenic cardiomyopathy with wooly hair and keratoderma; Arrhythmogenic right ventricular dysplasia 8. Last evaluated: 2023-04-10. Review status: criteria provided, single submitter. Criteria: Invitae Variant Classification Sherloc (09022015). Collection method: clinical testing. Allele origin: germline.
Comment: This sequence change replaces serine, which is neutral and polar, with glycine, which is neutral and non-polar, at codon 2402 of the DSP protein (p.Ser2402Gly). This variant is not present in population databases (gnomAD no frequency). In summary, the available evidence is currently insufficient to determine the role of this variant in disease. Therefore, it has been classified as a Variant of Uncertain Significance. An algorithm developed to predict the effect of missense changes on protein structure and function (PolyPhen-2) suggests that this variant is likely to be tolerated. This variant has not been reported in the literature in individuals affected with DSP-related conditions.